The following is an entry in ClinVar:

NM_152743.4(BRAT1):c.1134+6T>C

Gene: BRAT1 (BRCA1 associated ATM activator 1; minus strand). Cytogenetic location: 7p22.3.
Variant type: single nucleotide variant.
Coding change: c.1134+6T>C on transcript NM_152743.4 (MANE Select); 6 bases into the intron after coding-DNA position 1134, T replaced by C.
Molecular consequence: intron variant.
Genome position (GRCh38, 1-based): chr7:2,541,712, A>G on the plus strand (T>C on the coding strand, the complement: BRAT1 is on the minus strand). VCF-style: chr7-2541712-A-G. GRCh37 (hg19) VCF-style: chr7-2581346-A-G.
Other names: c.609+6T>C (NM_001350627.2); c.1134+6T>C (NM_001350626.2).
Identifiers: ClinVar variation 656021 (VCV000656021.8), dbSNP rs1583303256, ClinGen allele CA915944816.

ClinVar aggregate classification (germline): Uncertain significance (1 of 4 stars; one submission).

Conditions:
Neonatal-onset encephalopathy with rigidity and seizures. Also called: Lethal neonatal spasticity-epileptic encephalopathy syndrome. Identifiers: Orphanet 435845, MedGen C3281029, MONDO:0013784, OMIM 614498.

Allele frequency attached by ClinVar (database versions not stated): gnomAD exomes below 0.00001; gnomAD 0.00001.
gnomAD v4.1: 3 of 1,604,778 alleles (0.00019%); highest among the groups gnomAD compares: Non-Finnish European, 0.00017%; no homozygotes.

Submission:

Labcorp Genetics (formerly Invitae), Labcorp
Classification: Uncertain significance for Neonatal-onset encephalopathy with rigidity and seizures. Last evaluated: 2022-11-29. Review status: criteria provided, single submitter. Criteria: Invitae Variant Classification Sherloc (09022015). Collection method: clinical testing. Allele origin: germline.
Comment: This variant is not present in population databases (gnomAD no frequency). In summary, the available evidence is currently insufficient to determine the role of this variant in disease. Therefore, it has been classified as a Variant of Uncertain Significance. Variants that disrupt the consensus splice site are a relatively common cause of aberrant splicing (PMID: 17576681, 9536098). Algorithms developed to predict the effect of sequence changes on RNA splicing suggest that this variant may disrupt the consensus splice site. ClinVar contains an entry for this variant (Variation ID: 656021). This variant has not been reported in the literature in individuals affected with BRAT1-related conditions. This sequence change falls in intron 8 of the BRAT1 gene. It does not directly change the encoded amino acid sequence of the BRAT1 protein. It affects a nucleotide within the consensus splice site.

Literature cited by the submitters: PubMed 17576681; PubMed 9536098.